The following is an entry in ClinVar:

NM_001868.4(CPA1):c.147+4A>C

Gene: CPA1 (carboxypeptidase A1; plus strand). Cytogenetic location: 7q32.2.
Variant type: single nucleotide variant.
Coding change: c.147+4A>C on transcript NM_001868.4 (MANE Select); 4 bases into the intron after coding-DNA position 147, A replaced by C.
Molecular consequence: intron variant.
Genome position (GRCh38, 1-based): chr7:130,381,183, A>C. VCF-style: chr7-130381183-A-C. GRCh37 (hg19) VCF-style: chr7-130021024-A-C.
Identifiers: ClinVar variation 1387915 (VCV001387915.8), dbSNP rs1459226203, ClinGen allele CA833269896.

ClinVar aggregate classification (germline): Uncertain significance. Review status: criteria provided, multiple submitters, no conflicts (2 of 4 stars). 2 submissions from 2 submitters: Uncertain significance (2). Last evaluated 2024-11-27.

Conditions:
Hereditary pancreatitis (PCTT). Also called: Hereditary chronic pancreatitis; PRSS1-Related Hereditary Pancreatitis. Identifiers: Orphanet 676, MedGen C0238339, MONDO:0008185, OMIM 167800.

Allele frequency attached by ClinVar (database versions not stated): gnomAD exomes below 0.00001; gnomAD 0.00002; TOPMed 0.00002.
gnomAD v4.1: 4 of 1,606,192 alleles (0.00025%); highest among the groups gnomAD compares: Non-Finnish European, 0.00034%; no homozygotes.

Submissions (2):

Labcorp Genetics (formerly Invitae), Labcorp
Classification: Uncertain significance. Last evaluated: 2024-11-27. Review status: criteria provided, single submitter. Criteria: Invitae Variant Classification Sherloc (09022015). Collection method: clinical testing. Allele origin: germline.
Comment: This sequence change falls in intron 2 of the CPA1 gene. It does not directly change the encoded amino acid sequence of the CPA1 protein. It affects a nucleotide within the consensus splice site. This variant is not present in population databases (gnomAD no frequency). This variant has not been reported in the literature in individuals affected with CPA1-related conditions. ClinVar contains an entry for this variant (Variation ID: 1387915). Variants that disrupt the consensus splice site are a relatively common cause of aberrant splicing (PMID: 17576681, 9536098). Algorithms developed to predict the effect of sequence changes on RNA splicing suggest that this variant may disrupt the consensus splice site. In summary, the available evidence is currently insufficient to determine the role of this variant in disease. Therefore, it has been classified as a Variant of Uncertain Significance.

Ambry Genetics
Classification: Uncertain significance for Hereditary pancreatitis. Last evaluated: 2023-11-16. Review status: criteria provided, single submitter. Criteria: Ambry Variant Classification Scheme 2023. Collection method: clinical testing. Allele origin: germline.
Comment: The c.147+4A>C intronic variant results from an A to C substitution 4 nucleotides after coding exon 2 in the CPA1 gene. This nucleotide position is highly conserved in available vertebrate species. In silico splice site analysis for this alteration is inconclusive. Since supporting evidence is limited at this time, the clinical significance of this alteration remains unclear.

Literature cited by the submitters: PubMed 17576681 (cited by Labcorp Genetics (formerly Invitae), Labcorp); PubMed 9536098 (cited by Labcorp Genetics (formerly Invitae), Labcorp).